The following is an entry in ClinVar:

NM_001009944.3(PKD1):c.9075G>A (p.Trp3025Ter)

Gene: PKD1 (polycystin 1, transient receptor potential channel interacting; minus strand). Cytogenetic location: 16p13.3.
Variant type: single nucleotide variant.
Coding change: c.9075G>A on transcript NM_001009944.3 (MANE Select); coding-DNA position 9075, G replaced by A.
Protein change: p.Trp3025Ter; replaces tryptophan 3025 with a stop codon.
Molecular consequence: nonsense.
Genome position (GRCh38, 1-based): chr16:2,102,507, C>T on the plus strand (G>A on the coding strand, the complement: PKD1 is on the minus strand). VCF-style: chr16-2102507-C-T. GRCh37 (hg19) VCF-style: chr16-2152508-C-T.
Other names: c.9075G>A, p.Trp3025Ter (NM_000296.4); short protein forms W3025*.
Identifiers: ClinVar variation 3579124 (VCV003579124.2).

ClinVar aggregate classification (germline): Pathogenic. Review status: criteria provided, multiple submitters, no conflicts (2 of 4 stars). 2 submissions from 2 submitters: Pathogenic (2). Last evaluated 2025-05-01.

Conditions:
Polycystic kidney disease, adult type (PKD1). Also called: Polycystic Kidney Disease 1, Autosomal Dominant; Polycystic kidney disease 1; Polycystic kidney disease 1, severe; POLYCYSTIC KIDNEY DISEASE 1 WITH OR WITHOUT POLYCYSTIC LIVER DISEASE; POLYCYSTIC KIDNEY DISEASE, ADULT, TYPE I; Polycystic Kidney, Autosomal Dominant. Identifiers: MedGen C3149841, MONDO:0008263, OMIM 173900.

Submissions (2):

Women's Health and Genetics/Laboratory Corporation of America, LabCorp
Classification: Pathogenic for Polycystic kidney disease, adult type. Last evaluated: 2025-05-01. Review status: criteria provided, single submitter. Criteria: LabCorp Variant Classification Summary - May 2015. Collection method: clinical testing. Allele origin: germline.
Comment: Variant summary: PKD1 c.9075G>A (p.Trp3025X) results in a premature termination codon, predicted to cause a truncation of the encoded protein or absence of the protein due to nonsense mediated decay, which are commonly known mechanisms for disease. Algorithms developed to predict the effect of missense changes on protein structure and function are either unavailable or do not agree on the potential impact of this missense change. The variant was absent in 216574 control chromosomes. To our knowledge, no occurrence of c.9075G>A in individuals affected with Polycystic Kidney Disease 1 and no experimental evidence demonstrating its impact on protein function have been reported. ClinVar contains an entry for this variant (Variation ID: 3579124). Based on the evidence outlined above, the variant was classified as pathogenic.

Fulgent Genetics
Classification: Pathogenic for Polycystic kidney disease, adult type. Last evaluated: 2024-04-28. Review status: criteria provided, single submitter. Criteria: ACMG Guidelines, 2015. Collection method: clinical testing. Allele origin: germline.